The following is an entry in ClinVar:

ClinVar aggregate classification (germline): Pathogenic (1 of 4 stars; one submission).

Conditions:
Hereditary cancer-predisposing syndrome. Also called: Hereditary neoplastic syndrome; Tumor predisposition; Hereditary Cancer Syndrome; Neoplastic Syndromes, Hereditary. Identifiers: Orphanet 140162, MedGen C0027672, MeSH D009386, MONDO:0015356.

Submission:

Ambry Genetics
Classification: Pathogenic for Hereditary cancer-predisposing syndrome. Last evaluated: 2023-07-24. Review status: criteria provided, single submitter. Criteria: Ambry Variant Classification Scheme 2023. Collection method: clinical testing. Allele origin: germline.
Comment: The c.25delA pathogenic mutation, located in coding exon 1 of the RB1 gene, results from a deletion of one nucleotide at nucleotide position 25, causing a translational frameshift with a predicted alternate stop codon (p.T9Rfs*56). This alteration has been observed in at least one individual with a personal and/or family history that is consistent with RB1-related disease (Ambry internal data). This variant is considered to be rare based on population cohorts in the Genome Aggregation Database (gnomAD). This alteration is expected to result in loss of function by premature protein truncation or nonsense-mediated mRNA decay. As such, this alteration is interpreted as a disease-causing mutation.

NM_000321.3(RB1):c.25del (p.Thr9fs)

Gene: RB1 (RB transcriptional corepressor 1; plus strand). Cytogenetic location: 13q14.2.
Variant type: Deletion.
Coding change: c.25del on transcript NM_000321.3 (MANE Select); coding-DNA position 25, one base deleted (A; older notation c.25delA).
Protein change: p.Thr9fs; shifts the reading frame from threonine 9.
Molecular consequence: frameshift variant.
Genome position (GRCh38, 1-based): chr13:48,303,937, A deleted; the last of 5 consecutive A bases (chr13:48,303,933-48,303,937); deleting any one gives the same sequence. VCF-style (leftmost placement, unchanged base first): chr13-48303932-GA-G. GRCh37 (hg19) VCF-style: chr13-48878068-GA-G.
Other names: c.25del, p.Thr9fs (NM_001407165.1, NM_001407166.1, NM_001407167.1); short protein forms T9fs.
Identifiers: ClinVar variation 2585722 (VCV002585722.2), dbSNP rs2542093257, ClinGen allele CA2582341848.